The following is an entry in ClinVar:

ClinVar aggregate classification (germline): Uncertain significance. Review status: criteria provided, multiple submitters, no conflicts (2 of 4 stars). 6 submissions from 4 submitters: Uncertain significance (6). Last evaluated 2025-07-20.

Conditions:
Hereditary spastic paraplegia. Also called: Familial spastic paraparesis. Identifiers: Orphanet 685, MedGen C0037773, MONDO:0019064. Disease mechanism: loss of function.
Inborn genetic diseases. Identifiers: MedGen C0950123, MeSH D030342.
Amyotrophic lateral sclerosis type 5 (ALS5). Also called: AMYOTROPHIC LATERAL SCLEROSIS 5, JUVENILE. Identifiers: Orphanet 300605, MedGen C1865864, MONDO:0011196, OMIM 602099.
Charcot-Marie-Tooth disease axonal type 2X. Also called: CHARCOT-MARIE-TOOTH DISEASE, AXONAL, AUTOSOMAL RECESSIVE, TYPE 2X; CHARCOT-MARIE-TOOTH NEUROPATHY, TYPE 2X. Identifiers: Orphanet 466775, MedGen C5569024, MONDO:0014726, OMIM 616668.
Hereditary spastic paraplegia 11. Also called: SPASTIC PARAPLEGIA, AUTOSOMAL RECESSIVE, COMPLICATED, WITH THIN CORPUS CALLOSUM; SPASTIC PARAPLEGIA, AUTOSOMAL RECESSIVE, WITH MENTAL IMPAIRMENT AND THIN CORPUS CALLOSUM; Spastic paraplegia, mental retardation and thin corpus callosum; Nakamura Osame syndrome; Autosomal recessive hereditary spastic paraplegia, mental impairment, and thin corpus callosum; Spastic Paraplegia 11. Identifiers: Orphanet 2822, MedGen C1858479, MONDO:0011445, OMIM 604360.

Allele frequency attached by ClinVar (database versions not stated): gnomAD exomes 0.00001 and 0.00002; TOPMed 0.00006; ExAC 0.00007.
gnomAD v4.1: 27 of 1,602,710 alleles (0.0017%); highest among the groups gnomAD compares: African/African-American, 0.02%; no homozygotes.

Submissions (6):

Labcorp Genetics (formerly Invitae), Labcorp
Classification: Uncertain significance for Hereditary spastic paraplegia 11. Last evaluated: 2025-07-20. Review status: criteria provided, single submitter. Criteria: Invitae Variant Classification Sherloc (09022015). Collection method: clinical testing. Allele origin: germline.
Comment: This sequence change replaces threonine, which is neutral and polar, with methionine, which is neutral and non-polar, at codon 69 of the SPG11 protein (p.Thr69Met). This variant is present in population databases (rs764422997, gnomAD 0.02%). This variant has not been reported in the literature in individuals affected with SPG11-related conditions. ClinVar contains an entry for this variant (Variation ID: 855832). An algorithm developed to predict the effect of missense changes on protein structure and function (PolyPhen-2) suggests that this variant is likely to be tolerated. In summary, the available evidence is currently insufficient to determine the role of this variant in disease. Therefore, it has been classified as a Variant of Uncertain Significance.

Ambry Genetics
Classification: Uncertain significance for Inborn genetic diseases. Last evaluated: 2020-08-19. Review status: criteria provided, single submitter. Criteria: Ambry Variant Classification Scheme 2023. Collection method: clinical testing. Allele origin: germline.
Comment: The p.T69M variant (also known as c.206C>T), located in coding exon 1 of the SPG11 gene, results from a C to T substitution at nucleotide position 206. The threonine at codon 69 is replaced by methionine, an amino acid with similar properties. This amino acid position is poorly conserved in available vertebrate species. In addition, this alteration is predicted to be tolerated by in silico analysis. Since supporting evidence is limited at this time, the clinical significance of this alteration remains unclear.

Genome Diagnostics Laboratory, The Hospital for Sick Children
Classification: Uncertain significance for Hereditary spastic paraplegia. Last evaluated: 2019-06-01. Review status: criteria provided, single submitter. Criteria: ACMG Guidelines, 2015. Collection method: clinical testing. Allele origin: germline. Affected: yes.

Genome-Nilou Lab
Classification: Uncertain significance for Amyotrophic lateral sclerosis type 5. Review status: criteria provided, single submitter. Criteria: ACMG Guidelines, 2015. Collection method: clinical testing. Allele origin: germline.

Genome-Nilou Lab
Classification: Uncertain significance for Charcot-Marie-Tooth disease axonal type 2X. Review status: criteria provided, single submitter. Criteria: ACMG Guidelines, 2015. Collection method: clinical testing. Allele origin: germline.

Genome-Nilou Lab
Classification: Uncertain significance for Hereditary spastic paraplegia 11. Review status: criteria provided, single submitter. Criteria: ACMG Guidelines, 2015. Collection method: clinical testing. Allele origin: germline.

NM_025137.4(SPG11):c.206C>T (p.Thr69Met)

Gene: SPG11 (SPG11 vesicle trafficking associated, spatacsin; minus strand). Cytogenetic location: 15q21.1.
Variant type: single nucleotide variant.
Coding change: c.206C>T on transcript NM_025137.4 (MANE Select); coding-DNA position 206, C replaced by T.
Protein change: p.Thr69Met; replaces threonine 69 with methionine.
Molecular consequence: missense variant.
Genome position (GRCh38, 1-based): chr15:44,663,442, G>A on the plus strand (C>T on the coding strand, the complement: SPG11 is on the minus strand). VCF-style: chr15-44663442-G-A. GRCh37 (hg19) VCF-style: chr15-44955640-G-A.
Other names: c.206C>T, p.Thr69Met (NM_001160227.2); short protein forms T69M.
Identifiers: ClinVar variation 855832 (VCV000855832.13), dbSNP rs764422997, ClinGen allele CA7535927.
Genomic context (GRCh38, chr15:44,663,442, plus strand): 5'-AGCACTTACTGCCAGAAGGGGCCCTCCAGGCAGCAGCGACCCCCGCCCCGGCTGCCAGGC[G>A]TCAAAGAAAGCACTTGGAGGCTGCCCGCAGCCGTCAGGCTCCCCAGAGCCTCCGGCTGTG-3'
Protein context (NP_079413.3, residues 59-79): AAGSLQVLSL[Thr69Met]PGSRGGGRCC